The following is an entry in ClinVar:

ClinVar aggregate classification (germline): Uncertain significance (1 of 4 stars; one submission).

Conditions:
Lynch syndrome. Identifiers: Orphanet 144, MedGen C4552100, MONDO:0005835. Disease mechanism: loss of function.

Submission:

Labcorp Genetics (formerly Invitae), Labcorp
Classification: Uncertain significance for Hereditary nonpolyposis colorectal neoplasms. Last evaluated: 2015-08-25. Review status: criteria provided, single submitter. Criteria: Invitae Variant Classification Sherloc (09022015). Collection method: clinical testing. Allele origin: germline.
Comment: This sequence change is a gross duplication of the genomic region encompassing exons 1-7 of the EPCAM gene. This duplication extends to both edges of the assayed region, and the 5' boundary of this event is not known. The 3' boundary is within intron 7, but the exact breakpoint is unknown. This variant has not been published in the literature and is not present in population databases. In summary, this is a novel duplication with uncertain impact on protein function. It has been classified as a Variant of Uncertain Significance.

NM_002354.2(EPCAM):c.(?_-1)_858+?dup

Genes: EPCAM (epithelial cell adhesion molecule; plus strand), MIR559 (microRNA 559; plus strand). Cytogenetic location: 2p21.
Variant type: Duplication.
Other names: c.(?_-1)_858+?dup (LRG_215t1).
Identifiers: ClinVar variation 216517 (VCV000216517.1).